The following is an entry in ClinVar:

ClinVar aggregate classification (germline): Pathogenic. Review status: criteria provided, single submitter (1 of 4 stars). 3 submissions from 3 submitters: Pathogenic (1). 2 of the submissions do not count toward it. Last evaluated 2024-08-27.

Conditions:
Inborn genetic diseases. Identifiers: MedGen C0950123, MeSH D030342.
Holoprosencephaly 3 (HPE3). Identifiers: Orphanet 2162, MedGen C1840529, MONDO:0007733, OMIM 142945.

Submissions (3):

Ambry Genetics
Classification: Pathogenic for Inborn genetic diseases. Last evaluated: 2024-08-27. Review status: criteria provided, single submitter. Criteria: Ambry Variant Classification Scheme 2023. Collection method: clinical testing. Allele origin: germline.
Comment: The c.313A>T (p.K105*) alteration, located in exon 2 (coding exon 2) of the SHH gene, consists of a A to T substitution at nucleotide position 313. This changes the amino acid from a lysine (K) to a stop codon at amino acid position 105. This alteration is expected to result in loss of function by premature protein truncation or nonsense-mediated mRNA decay. This variant was not reported in population-based cohorts in the Genome Aggregation Database (gnomAD). This variant has been reported in multiple individuals with features consistent with SHH-related holoprosencephaly spectrum (Roessler, 1996; Solomon, 2012). Based on the available evidence, this alteration is classified as pathogenic.

GeneReviews
Classification: Pathogenic for Holoprosencephaly. Last evaluated: 2013-08-29. Review status: no assertion criteria provided. Collection method: curation. Allele origin: unknown. Not counted in ClinVar's aggregate classification.
ClinVar note: Converted during submission from pathologic to Pathogenic.

OMIM
Classification: Pathogenic for HOLOPROSENCEPHALY 3. Last evaluated: 1996-11-01. Review status: no assertion criteria provided. Collection method: literature only. Allele origin: germline. Not counted in ClinVar's aggregate classification.

Literature cited by the submitters: PubMed 8896572 (cited by Ambry Genetics and OMIM); PubMed 22791840 (cited by Ambry Genetics).

NM_000193.4(SHH):c.313A>T (p.Lys105Ter)

Gene: SHH (sonic hedgehog signaling molecule; minus strand). Cytogenetic location: 7q36.3.
Variant type: single nucleotide variant.
Coding change: c.313A>T on transcript NM_000193.4 (MANE Select); coding-DNA position 313, A replaced by T.
Protein change: p.Lys105Ter; replaces lysine 105 with a stop codon.
Molecular consequence: nonsense. On other transcripts: non-coding transcript variant (2).
Genome position (GRCh38, 1-based): chr7:155,806,545, T>A on the plus strand (A>T on the coding strand, the complement: SHH is on the minus strand). VCF-style: chr7-155806545-T-A. GRCh37 (hg19) VCF-style: chr7-155599239-T-A.
Other names: c.313A>T; c.52A>T, p.Lys18Ter (NM_001310462.2); c.313A>T (NM_000193.2); short protein forms K105*, K18*.
Identifiers: ClinVar variation 8879 (VCV000008879.4), dbSNP rs104894045, ClinGen allele CA340829.